The following is an entry in ClinVar:

ClinVar aggregate classification (germline): Uncertain significance (1 of 4 stars; one submission).

Allele frequency attached by ClinVar (database versions not stated): gnomAD exomes below 0.00001; TOPMed below 0.00001.
gnomAD v4.1: 2 of 1,613,974 alleles (0.00012%); highest among the groups gnomAD compares: Non-Finnish European, 0.00017%; no homozygotes.

Submission:

GeneDx
Classification: Uncertain significance. Last evaluated: 2022-07-22. Review status: criteria provided, single submitter. Criteria: GeneDx Variant Classification Process June 2021. Collection method: clinical testing. Allele origin: germline. Affected: yes.
Comment: Not observed at significant frequency in large population cohorts (gnomAD); In silico analysis supports that this missense variant does not alter protein structure/function; Has not been previously published as pathogenic or benign to our knowledge

NM_001384732.1(CPLANE1):c.4247T>C (p.Val1416Ala)

Gene: CPLANE1 (ciliogenesis and planar polarity effector complex subunit 1; minus strand). Cytogenetic location: 5p13.2.
Variant type: single nucleotide variant.
Coding change: c.4247T>C on transcript NM_001384732.1 (MANE Select); coding-DNA position 4247, T replaced by C.
Protein change: p.Val1416Ala; replaces valine 1416 with alanine.
Molecular consequence: missense variant.
Genome position (GRCh38, 1-based): chr5:37,185,022, A>G on the plus strand (T>C on the coding strand, the complement: CPLANE1 is on the minus strand). VCF-style: chr5-37185022-A-G. GRCh37 (hg19) VCF-style: chr5-37185124-A-G.
Other names: c.4247T>C, p.Val1416Ala (NM_023073.4); short protein forms V1416A.
Identifiers: ClinVar variation 2136195 (VCV002136195.1), dbSNP rs1232354293, ClinGen allele CA359501716.